The following is an entry in ClinVar:

ClinVar aggregate classification (germline): Uncertain significance (1 of 4 stars; one submission).

Conditions:
Inborn genetic diseases. Identifiers: MedGen C0950123, MeSH D030342.

Allele frequency attached by ClinVar (database versions not stated): ExAC 0.00001.

Submission:

Ambry Genetics
Classification: Uncertain significance for Inborn genetic diseases. Last evaluated: 2020-02-18. Review status: criteria provided, single submitter. Criteria: Ambry Variant Classification Scheme 2023. Collection method: clinical testing. Allele origin: germline.
Comment: The p.M376I variant (also known as c.1128G>A), located in coding exon 5 of the TRPV4 gene, results from a G to A substitution at nucleotide position 1128. The methionine at codon 376 is replaced by isoleucine, an amino acid with highly similar properties. This amino acid position is well conserved in available vertebrate species. In addition, this alteration is predicted to be deleterious by in silico analysis. Since supporting evidence is limited at this time, the clinical significance of this alteration remains unclear.

NM_021625.5(TRPV4):c.1128G>A (p.Met376Ile)

Gene: TRPV4 (transient receptor potential cation channel subfamily V member 4; minus strand). Cytogenetic location: 12q24.11.
Variant type: single nucleotide variant.
Coding change: c.1128G>A on transcript NM_021625.5 (MANE Select); coding-DNA position 1128, G replaced by A.
Protein change: p.Met376Ile; replaces methionine 376 with isoleucine.
Molecular consequence: missense variant.
Genome position (GRCh38, 1-based): chr12:109,798,638, C>T on the plus strand (G>A on the coding strand, the complement: TRPV4 is on the minus strand). VCF-style: chr12-109798638-C-T. GRCh37 (hg19) VCF-style: chr12-110236443-C-T.
Other names: c.987G>A, p.Met329Ile (NM_001177428.2, NM_001177433.2); c.1026G>A, p.Met342Ile (NM_001177431.2); c.1128G>A, p.Met376Ile (NM_147204.3); short protein forms M342I, M329I, M376I.
Identifiers: ClinVar variation 1727443 (VCV001727443.2), dbSNP rs754186473, ClinGen allele CA6780345.